The following is an entry in ClinVar:

ClinVar aggregate classification (germline): Uncertain significance (1 of 4 stars; one submission).

Submission:

Labcorp Genetics (formerly Invitae), Labcorp
Classification: Uncertain significance. Last evaluated: 2022-07-05. Review status: criteria provided, single submitter. Criteria: Invitae Variant Classification Sherloc (09022015). Collection method: clinical testing. Allele origin: germline.
Comment: In summary, the available evidence is currently insufficient to determine the role of this variant in disease. Therefore, it has been classified as a Variant of Uncertain Significance. Experimental studies and prediction algorithms are not available or were not evaluated, and the functional significance of this variant is currently unknown. This variant has not been reported in the literature in individuals affected with MYO18B-related conditions. This variant is a gross deletion of the genomic region encompassing exon(s) 39 of the MYO18B gene. This variant would be expected to be in-frame, preserving the integrity of the reading frame.

NC_000022.10:g.(?_26351125)_(26351350_?)del

Gene: MYO18B (myosin XVIIIB; plus strand). Cytogenetic location: 22q12.1.
Variant type: Deletion.
Identifiers: ClinVar variation 1442780 (VCV001442780.7).